The following is an entry in ClinVar:

ClinVar aggregate classification (germline): Likely pathogenic (1 of 4 stars; one submission).

Conditions:
Developmental and epileptic encephalopathy 6B. Also called: Developmental and epileptic encephalopathy 6B, non-Dravet. Identifiers: MedGen C5543353, MONDO:0030268, OMIM 619317.

Submission:

Clinical Biomedical Laboratory, Shriners Hospital For Children - Canada
Classification: Likely pathogenic for Developmental and epileptic encephalopathy 6B. Review status: criteria provided, single submitter. Criteria: ACMG Guidelines, 2015. Collection method: clinical testing. Allele origin: germline. Affected: yes.
Comment: This variant is absent in the Genome Aggregation Database (gnomAD v2.1.1), indicating it is very rare. Computational tools suggest that the amino acid change is deleterious to protein function. The gene is associated with arthrogryposis accompanied by congenital heart defects (PMID 37457373). Functional in vitro testing suggests that the variant leads to a degradation of ACTC1 protein (PMID 42458772).

Literature cited by the submitters: PubMed 37457373; PubMed 42458772.

NM_005159.5(ACTC1):c.325G>A (p.Glu109Lys)

Genes: ACTC1 (actin alpha cardiac muscle 1; minus strand), GJD2-DT (GJD2 divergent transcript; plus strand). Cytogenetic location: 15q14.
Variant type: single nucleotide variant.
Coding change: c.325G>A on transcript NM_005159.5 (MANE Select); coding-DNA position 325, G replaced by A.
Protein change: p.Glu109Lys; replaces glutamic acid 109 with lysine.
Molecular consequence: missense variant. On other transcripts: 5 prime UTR variant (1).
Genome position (GRCh38, 1-based): chr15:34,793,374, C>T on the plus strand (G>A on the coding strand, the complement: ACTC1 is on the minus strand). VCF-style: chr15-34793374-C-T. GRCh37 (hg19) VCF-style: chr15-35085575-C-T.
Other names: c.325G>A, p.Glu109Lys (NM_001406482.1, NM_001406483.1); c.190G>A, p.Glu64Lys (NM_001406484.1); c.-64G>A (NM_001406485.1); short protein forms E109K, E64K.
Identifiers: ClinVar variation 4890687 (VCV004890687.1).